The following is an entry in ClinVar:

NM_001367624.2(ZNF469):c.5912C>T (p.Ala1971Val)

Gene: ZNF469 (zinc finger protein 469; plus strand). Cytogenetic location: 16q24.2.
Variant type: single nucleotide variant.
Coding change: c.5912C>T on transcript NM_001367624.2 (MANE Select); coding-DNA position 5912, C replaced by T.
Protein change: p.Ala1971Val; replaces alanine 1971 with valine.
Molecular consequence: missense variant.
Genome position (GRCh38, 1-based): chr16:88,433,382, C>T. VCF-style: chr16-88433382-C-T. GRCh37 (hg19) VCF-style: chr16-88499790-C-T.
Other names: short protein forms A1971V.
Identifiers: ClinVar variation 320948 (VCV000320948.7), dbSNP rs886052406, ClinGen allele CA10649185.

ClinVar aggregate classification (germline): Uncertain significance (1 of 4 stars; one submission).

Conditions:
Cardiovascular phenotype. Identifiers: MedGen CN230736.

Submission:

Ambry Genetics
Classification: Uncertain significance for Cardiovascular phenotype. Last evaluated: 2022-01-02. Review status: criteria provided, single submitter. Criteria: Ambry Variant Classification Scheme 2023. Collection method: clinical testing. Allele origin: germline.
Comment: The p.A1943V variant (also known as c.5828C>T), located in coding exon 2 of the ZNF469 gene, results from a C to T substitution at nucleotide position 5828. The alanine at codon 1943 is replaced by valine, an amino acid with similar properties. This amino acid position is conserved. In addition, this alteration is predicted to be tolerated by in silico analysis. Since supporting evidence is limited at this time, the clinical significance of this alteration remains unclear.